The following is an entry in ClinVar:

NM_000018.4(ACADVL):c.1375C>G (p.Arg459Gly)

Gene: ACADVL (acyl-CoA dehydrogenase very long chain; plus strand). Cytogenetic location: 17p13.1.
Variant type: single nucleotide variant.
Coding change: c.1375C>G on transcript NM_000018.4 (MANE Select); coding-DNA position 1375, C replaced by G.
Protein change: p.Arg459Gly; replaces arginine 459 with glycine.
Molecular consequence: missense variant.
Genome position (GRCh38, 1-based): chr17:7,224,010, C>G. VCF-style: chr17-7224010-C-G. GRCh37 (hg19) VCF-style: chr17-7127329-C-G.
Other names: c.1309C>G, p.Arg437Gly (NM_001033859.3); c.1444C>G, p.Arg482Gly (NM_001270447.2); c.1147C>G, p.Arg383Gly (NM_001270448.2); short protein forms R482G, R383G, R437G, R459G.
Identifiers: ClinVar variation 932769 (VCV000932769.7), dbSNP rs766742117, ClinGen allele CA397724982.

ClinVar aggregate classification (germline): Likely pathogenic. Review status: criteria provided, multiple submitters, no conflicts (2 of 4 stars). 3 submissions from 3 submitters: Likely pathogenic (3). Last evaluated 2024-02-21.

Conditions:
Very long chain acyl-CoA dehydrogenase deficiency (ACADVLD). Also called: Very Long-Chain Acyl-Coenzyme A Dehydrogenase Deficiency; VLCAD Deficiency. Identifiers: Orphanet 26793, MedGen C3887523, MONDO:0008723, OMIM 201475.

Submissions (3):

Baylor Genetics
Classification: Likely pathogenic for Very long chain acyl-CoA dehydrogenase deficiency. Last evaluated: 2024-02-21. Review status: criteria provided, single submitter. Criteria: ACMG Guidelines, 2015. Collection method: clinical testing. Allele origin: unknown.

Labcorp Genetics (formerly Invitae), Labcorp
Classification: Likely pathogenic for Very long chain acyl-CoA dehydrogenase deficiency. Last evaluated: 2023-12-27. Review status: criteria provided, single submitter. Criteria: Invitae Variant Classification Sherloc (09022015). Collection method: clinical testing. Allele origin: germline.
Comment: This sequence change replaces arginine, which is basic and polar, with glycine, which is neutral and non-polar, at codon 459 of the ACADVL protein (p.Arg459Gly). This variant is not present in population databases (gnomAD no frequency). This variant has not been reported in the literature in individuals affected with ACADVL-related conditions. ClinVar contains an entry for this variant (Variation ID: 932769). Advanced modeling of protein sequence and biophysical properties (such as structural, functional, and spatial information, amino acid conservation, physicochemical variation, residue mobility, and thermodynamic stability) performed at Invitae indicates that this missense variant is expected to disrupt ACADVL protein function with a positive predictive value of 95%. This variant disrupts the p.Arg459 amino acid residue in ACADVL. Other variant(s) that disrupt this residue have been determined to be pathogenic (PMID: 14517516, 19327992, 21429517, 23798014, 30194637). This suggests that this residue is clinically significant, and that variants that disrupt this residue are likely to be disease-causing. In summary, the currently available evidence indicates that the variant is pathogenic, but additional data are needed to prove that conclusively. Therefore, this variant has been classified as Likely Pathogenic.

Wong Mito Lab, Molecular and Human Genetics, Baylor College of Medicine
Classification: Likely pathogenic for Very long chain acyl-CoA dehydrogenase deficiency. Last evaluated: 2019-11-01. Review status: criteria provided, single submitter. Criteria: ACMG Guidelines, 2015. Collection method: clinical testing. Allele origin: germline.
Comment: The NM_000018.3:c.1375C>G (NP_000009.1:p.Arg459Gly) [GRCH38: NC_000017.11:g.7224010C>G] variant in ACADVL gene is interpretated to be Likely pathogenic based on ACMG guidelines (PMID: 25741868). This variant has been reported. This variant meets the following evidence codes reported in the ACMG guidelines: PM1, PM3, PP3, PP4

Literature cited by the submitters: PubMed 14517516 (cited by Labcorp Genetics (formerly Invitae), Labcorp); PubMed 19327992 (cited by Labcorp Genetics (formerly Invitae), Labcorp); PubMed 21429517 (cited by Labcorp Genetics (formerly Invitae), Labcorp); PubMed 23798014 (cited by Labcorp Genetics (formerly Invitae), Labcorp); PubMed 30194637 (cited by Labcorp Genetics (formerly Invitae), Labcorp).